The following is an entry in ClinVar:

ClinVar aggregate classification (germline): Benign/Likely benign. Review status: criteria provided, multiple submitters, no conflicts (2 of 4 stars). 3 submissions from 3 submitters: Benign (1); Likely benign (2). Last evaluated 2025-12-30.

Allele frequency attached by ClinVar (database versions not stated): 1000 Genomes Project 0.00140; 1000 Genomes Project 30x 0.00141; TOPMed 0.00196; gnomAD exomes 0.00197 and 0.00318; gnomAD 0.00200 and 0.00201; ESP Exome Variant Server 0.00239; ExAC 0.00346.
gnomAD v4.1: 4,149 of 1,368,208 alleles (0.3%); highest among the groups gnomAD compares: Non-Finnish European, 0.39%; 11 homozygotes.

Submissions (3):

Labcorp Genetics (formerly Invitae), Labcorp
Classification: Benign. Last evaluated: 2025-12-30. Review status: criteria provided, single submitter. Criteria: Invitae Variant Classification Sherloc (09022015). Collection method: clinical testing. Allele origin: germline.

Blueprint Genetics
Classification: Likely benign. Last evaluated: 2024-11-13. Review status: criteria provided, single submitter. Criteria: ACMG Guidelines, 2015. Collection method: clinical testing. Allele origin: germline.

CeGaT Center for Human Genetics Tuebingen
Classification: Likely benign. Last evaluated: 2022-08-01. Review status: criteria provided, single submitter. Criteria: CeGaT Center For Human Genetics Tuebingen Variant Classification Criteria Version 2. Collection method: clinical testing. Allele origin: germline. Affected: yes. Observed: 1 variant allele.
Comment: RNASET2: BP4, BS2

NM_003730.6(RNASET2):c.261+17A>G

Gene: RNASET2 (ribonuclease T2; minus strand). Cytogenetic location: 6q27.
Variant type: single nucleotide variant.
Coding change: c.261+17A>G on transcript NM_003730.6 (MANE Select); 17 bases into the intron after coding-DNA position 261, A replaced by G.
Molecular consequence: intron variant.
Genome position (GRCh38, 1-based): chr6:166,946,665, T>C on the plus strand (A>G on the coding strand, the complement: RNASET2 is on the minus strand). VCF-style: chr6-166946665-T-C. GRCh37 (hg19) VCF-style: chr6-167360153-T-C.
Identifiers: ClinVar variation 1623144 (VCV001623144.39), dbSNP rs112364937, ClinGen allele CA4095094.